The following is an entry in ClinVar:

ClinVar aggregate classification (germline): Uncertain significance (1 of 4 stars; one submission).

Allele frequency attached by ClinVar (database versions not stated): gnomAD exomes below 0.00001.
gnomAD v4.1: 1 of 1,613,996 alleles (0.000062%); highest among the groups gnomAD compares: East Asian, 0.0022%; no homozygotes.

Submission:

Labcorp Genetics (formerly Invitae), Labcorp
Classification: Uncertain significance. Last evaluated: 2023-09-21. Review status: criteria provided, single submitter. Criteria: Invitae Variant Classification Sherloc (09022015). Collection method: clinical testing. Allele origin: germline.
Comment: In summary, the available evidence is currently insufficient to determine the role of this variant in disease. Therefore, it has been classified as a Variant of Uncertain Significance. An algorithm developed to predict the effect of missense changes on protein structure and function (PolyPhen-2) suggests that this variant is likely to be disruptive. This variant has not been reported in the literature in individuals affected with COL4A1-related conditions. This variant is not present in population databases (gnomAD no frequency). This sequence change replaces lysine, which is basic and polar, with arginine, which is basic and polar, at codon 1132 of the COL4A1 protein (p.Lys1132Arg).

NM_001845.6(COL4A1):c.3395A>G (p.Lys1132Arg)

Gene: COL4A1 (collagen type IV alpha 1 chain; minus strand). Cytogenetic location: 13q34.
Variant type: single nucleotide variant.
Coding change: c.3395A>G on transcript NM_001845.6 (MANE Select); coding-DNA position 3395, A replaced by G.
Protein change: p.Lys1132Arg; replaces lysine 1132 with arginine.
Molecular consequence: missense variant.
Genome position (GRCh38, 1-based): chr13:110,174,457, T>C on the plus strand (A>G on the coding strand, the complement: COL4A1 is on the minus strand). VCF-style: chr13-110174457-T-C. GRCh37 (hg19) VCF-style: chr13-110826804-T-C.
Other names: short protein forms K1132R.
Identifiers: ClinVar variation 2886131 (VCV002886131.3), dbSNP rs2501770201, ClinGen allele CA388664341.